The following is an entry in ClinVar:

NM_000545.8(HNF1A):c.754C>T (p.Gln252Ter)

Gene: HNF1A (HNF1 homeobox A; plus strand). Cytogenetic location: 12q24.31.
Variant type: single nucleotide variant.
Coding change: c.754C>T on transcript NM_000545.8 (MANE Select); coding-DNA position 754, C replaced by T.
Protein change: p.Gln252Ter; replaces glutamine 252 with a stop codon.
Molecular consequence: nonsense.
Genome position (GRCh38, 1-based): chr12:120,994,204, C>T. VCF-style: chr12-120994204-C-T. GRCh37 (hg19) VCF-style: chr12-121432007-C-T.
Other names: c.754C>T, p.Gln252Ter (NM_001306179.2, NM_001406915.1); short protein forms Q252*.
Identifiers: ClinVar variation 1711353 (VCV001711353.30), dbSNP rs2135841381, ClinGen allele CA386965944.

ClinVar aggregate classification (germline): Pathogenic (1 of 4 stars; one submission).

Submission:

CeGaT Center for Human Genetics Tuebingen
Classification: Pathogenic. Last evaluated: 2022-09-01. Review status: criteria provided, single submitter. Criteria: CeGaT Center For Human Genetics Tuebingen Variant Classification Criteria Version 2. Collection method: clinical testing. Allele origin: germline. Affected: yes. Observed: 1 variant allele.
Comment: HNF1A: PVS1, PM2